The following is an entry in ClinVar:

ClinVar aggregate classification (germline): Pathogenic (1 of 4 stars; one submission).

Conditions:
Duchenne muscular dystrophy (DMD). Also called: MUSCULAR DYSTROPHY, PSEUDOHYPERTROPHIC PROGRESSIVE, DUCHENNE TYPE; Duchenne Muscular Dystrophy (DMD). Identifiers: Orphanet 98896, MedGen C0013264, MONDO:0010679, OMIM 310200.

Submission:

Labcorp Genetics (formerly Invitae), Labcorp
Classification: Pathogenic for Duchenne muscular dystrophy. Last evaluated: 2021-09-09. Review status: criteria provided, single submitter. Criteria: Invitae Variant Classification Sherloc (09022015). Collection method: clinical testing. Allele origin: germline.
Comment: This variant is a gross deletion of the genomic region encompassing exon(s) 63 of the DMD gene. This deletion is out-of-frame, and is expected to create a premature termination codon and result in an absent or disrupted protein product. Loss-of-function variants in DMD are known to be pathogenic (PMID: 16770791, 25007885). A similar copy number variant has been observed in individual(s) with Duchenne muscular dystrophy (PMID: 19937601, 23695957). For these reasons, this variant has been classified as Pathogenic.

Literature cited by the submitters: PubMed 16770791; PubMed 25007885; PubMed 19937601; PubMed 23695957.

NC_000023.10:g.(?_31279052)_(31279153_?)del

Gene: DMD (dystrophin; minus strand). Cytogenetic location: Xp21.2.
Variant type: Deletion.
Identifiers: ClinVar variation 1069343 (VCV001069343.2).